The following is an entry in ClinVar:

ClinVar aggregate classification (germline): Uncertain significance (1 of 4 stars; one submission).

Submission:

CeGaT Center for Human Genetics Tuebingen
Classification: Uncertain significance. Last evaluated: 2024-02-01. Review status: criteria provided, single submitter. Criteria: CeGaT Center For Human Genetics Tuebingen Variant Classification Criteria Version 2. Collection method: clinical testing. Allele origin: germline. Affected: yes. Observed: 1 variant allele.
Comment: TNXB: PM2

NM_001365276.2(TNXB):c.109C>T (p.Pro37Ser)

Gene: TNXB (tenascin XB; minus strand). Cytogenetic location: 6p21.33.
Variant type: single nucleotide variant.
Coding change: c.109C>T on transcript NM_001365276.2 (MANE Select); coding-DNA position 109, C replaced by T.
Protein change: p.Pro37Ser; replaces proline 37 with serine.
Molecular consequence: missense variant.
Genome position (GRCh38, 1-based): chr6:32,098,090, G>A on the plus strand (C>T on the coding strand, the complement: TNXB is on the minus strand). VCF-style: chr6-32098090-G-A. GRCh37 (hg19) VCF-style: chr6-32065867-G-A.
Other names: c.109C>T, p.Pro37Ser (NM_019105.8); short protein forms P37S.
Identifiers: ClinVar variation 3027290 (VCV003027290.22), dbSNP rs2483773092, ClinGen allele CA363493164.